The following is an entry in ClinVar:

ClinVar aggregate classification (germline): Likely benign. Review status: criteria provided, multiple submitters, no conflicts (2 of 4 stars). 2 submissions from 2 submitters: Likely benign (2). Last evaluated 2026-08-28.

Conditions:
ADGRV1-related disorder. Also called: ADGRV1-related condition; ADGRV1-related disorders.

gnomAD v4.1: 3 of 1,592,242 alleles (0.00019%); highest among the groups gnomAD compares: African/African-American, 0.004%; no homozygotes.

Submissions (2):

PreventionGenetics, part of Exact Sciences
Classification: Likely benign for ADGRV1-related condition. Last evaluated: 2026-08-28. Review status: criteria provided, single submitter. Criteria: ACMG Guidelines, 2015. Collection method: clinical testing. Allele origin: germline.
Comment: This variant is classified as likely benign based on ACMG/AMP sequence variant interpretation guidelines (Richards et al. 2015 PMID: 25741868, with internal and published modifications).

Labcorp Genetics (formerly Invitae), Labcorp
Classification: Likely benign. Last evaluated: 2024-03-03. Review status: criteria provided, single submitter. Criteria: Invitae Variant Classification Sherloc (09022015). Collection method: clinical testing. Allele origin: germline.

NM_032119.4(ADGRV1):c.135A>G (p.Glu45=)

Gene: ADGRV1 (adhesion G protein-coupled receptor V1; plus strand). Cytogenetic location: 5q14.3.
Variant type: single nucleotide variant.
Coding change: c.135A>G on transcript NM_032119.4 (MANE Select); coding-DNA position 135, A replaced by G.
Protein change: p.Glu45=; no amino-acid change (glutamic acid 45 retained).
Molecular consequence: synonymous variant. On other transcripts: non-coding transcript variant (1).
Genome position (GRCh38, 1-based): chr5:90,614,947, A>G. VCF-style: chr5-90614947-A-G. GRCh37 (hg19) VCF-style: chr5-89910764-A-G.
Other names: c.135A>G (NM_032119.3).
Identifiers: ClinVar variation 3610356 (VCV003610356.3).